The following is an entry in ClinVar:

NM_000138.5(FBN1):c.6940T>A (p.Tyr2314Asn)

Gene: FBN1 (fibrillin 1; minus strand). Cytogenetic location: 15q21.1.
Variant type: single nucleotide variant.
Coding change: c.6940T>A on transcript NM_000138.5 (MANE Select); coding-DNA position 6940, T replaced by A.
Protein change: p.Tyr2314Asn; replaces tyrosine 2314 with asparagine.
Molecular consequence: missense variant.
Genome position (GRCh38, 1-based): chr15:48,428,403, A>T on the plus strand (T>A on the coding strand, the complement: FBN1 is on the minus strand). VCF-style: chr15-48428403-A-T. GRCh37 (hg19) VCF-style: chr15-48720600-A-T.
Other names: c.6940T>A, p.Tyr2314Asn (NM_001406716.1); short protein forms Y2314N.
Identifiers: ClinVar variation 4789636 (VCV004789636.1).

ClinVar aggregate classification (germline): Uncertain significance (1 of 4 stars; one submission).

Conditions:
Marfan syndrome (MFS). Also called: FBN1-Related Marfan Syndrome; MARFAN SYNDROME, TYPE I; Marfan syndrome type 1; Marfan's syndrome; Marfan syndrome, classic. Identifiers: Orphanet 284963, Orphanet 558, MedGen C0024796, MONDO:0007947, OMIM 154700.
Familial thoracic aortic aneurysm and aortic dissection (TAAD). Also called: Thoracic aortic aneurysms and dissections. Identifiers: Orphanet 91387, MedGen C4707243, MONDO:0019625.

Submission:

Labcorp Genetics (formerly Invitae), Labcorp
Classification: Uncertain significance for Marfan syndrome; Familial thoracic aortic aneurysm and aortic dissection. Last evaluated: 2025-06-01. Review status: criteria provided, single submitter. Criteria: Invitae Variant Classification Sherloc (09022015). Collection method: clinical testing. Allele origin: germline.
Comment: This sequence change replaces tyrosine, which is neutral and polar, with asparagine, which is neutral and polar, at codon 2314 of the FBN1 protein (p.Tyr2314Asn). This variant is not present in population databases (gnomAD no frequency). This variant has not been reported in the literature in individuals affected with FBN1-related conditions. Invitae Evidence Modeling of protein sequence and biophysical properties (such as structural, functional, and spatial information, amino acid conservation, physicochemical variation, residue mobility, and thermodynamic stability) indicates that this missense variant is expected to disrupt FBN1 protein function with a positive predictive value of 95%. In summary, the available evidence is currently insufficient to determine the role of this variant in disease. Therefore, it has been classified as a Variant of Uncertain Significance.